The following is an entry in ClinVar:

ClinVar aggregate classification (germline): Conflicting classifications of pathogenicity. Review status: criteria provided, conflicting classifications (1 of 4 stars). 3 submissions from 3 submitters: Uncertain significance (2); Likely benign (1). Last evaluated 2026-07-10.

Conditions:
DONSON-related disorder. Also called: DONSON-related condition.

Allele frequency attached by ClinVar (database versions not stated): ExAC 0.00008; gnomAD exomes 0.00010; gnomAD 0.00011 and 0.00013; ESP Exome Variant Server 0.00015; TOPMed 0.00020.
gnomAD v4.1: 202 of 1,614,116 alleles (0.013%); highest among the groups gnomAD compares: Middle Eastern, 0.099%; no homozygotes.

Submissions (3):

PreventionGenetics, part of Exact Sciences
Classification: Uncertain significance for DONSON-related condition. Last evaluated: 2026-07-10. Review status: criteria provided, single submitter. Criteria: ACMG Guidelines, 2015. Collection method: clinical testing. Allele origin: germline.
Comment: The DONSON c.1135A>G variant is predicted to result in the amino acid substitution p.Ile379Val. To our knowledge, this variant has not been reported in the literature. This variant is reported in 0.040% of alleles in individuals of Latino descent in gnomAD. At this time, the clinical significance of this variant is uncertain due to the absence of conclusive functional and genetic evidence.

Blueprint Genetics
Classification: Likely benign. Last evaluated: 2024-08-22. Review status: criteria provided, single submitter. Criteria: ACMG Guidelines, 2015. Collection method: clinical testing. Allele origin: germline.

Labcorp Genetics (formerly Invitae), Labcorp
Classification: Uncertain significance. Last evaluated: 2022-10-17. Review status: criteria provided, single submitter. Criteria: Invitae Variant Classification Sherloc (09022015). Collection method: clinical testing. Allele origin: germline.
Comment: This sequence change replaces isoleucine, which is neutral and non-polar, with valine, which is neutral and non-polar, at codon 379 of the DONSON protein (p.Ile379Val). This variant is present in population databases (rs373262818, gnomAD 0.03%). This variant has not been reported in the literature in individuals affected with DONSON-related conditions. ClinVar contains an entry for this variant (Variation ID: 1398246). Advanced modeling of protein sequence and biophysical properties (such as structural, functional, and spatial information, amino acid conservation, physicochemical variation, residue mobility, and thermodynamic stability) performed at Invitae indicates that this missense variant is not expected to disrupt DONSON protein function. In summary, the available evidence is currently insufficient to determine the role of this variant in disease. Therefore, it has been classified as a Variant of Uncertain Significance.

NM_017613.4(DONSON):c.1135A>G (p.Ile379Val)

Gene: DONSON (DNA replication fork stabilization factor DONSON; minus strand). Cytogenetic location: 21q22.11.
Variant type: single nucleotide variant.
Coding change: c.1135A>G on transcript NM_017613.4 (MANE Select); coding-DNA position 1135, A replaced by G.
Protein change: p.Ile379Val; replaces isoleucine 379 with valine.
Molecular consequence: missense variant.
Genome position (GRCh38, 1-based): chr21:33,581,967, T>C on the plus strand (A>G on the coding strand, the complement: DONSON is on the minus strand). VCF-style: chr21-33581967-T-C. GRCh37 (hg19) VCF-style: chr21-34954273-T-C.
Other names: c.1135A>G (NM_017613.3); short protein forms I379V.
Identifiers: ClinVar variation 1398246 (VCV001398246.5), dbSNP rs373262818, ClinGen allele CA10010409.